The following is an entry in ClinVar:

ClinVar aggregate classification (germline): Uncertain significance (1 of 4 stars; one submission).

Conditions:
Familial hemiplegic migraine. Identifiers: MedGen C0338484, MONDO:0000700.

Submission:

Labcorp Genetics (formerly Invitae), Labcorp
Classification: Uncertain significance for Familial hemiplegic migraine. Last evaluated: 2023-03-17. Review status: criteria provided, single submitter. Criteria: Invitae Variant Classification Sherloc (09022015). Collection method: clinical testing. Allele origin: germline.
Comment: In summary, the available evidence is currently insufficient to determine the role of this variant in disease. Therefore, it has been classified as a Variant of Uncertain Significance. This variant has not been reported in the literature in individuals affected with ATP1A2-related conditions. Advanced modeling of protein sequence and biophysical properties (such as structural, functional, and spatial information, amino acid conservation, physicochemical variation, residue mobility, and thermodynamic stability) performed at Invitae indicates that this missense variant is expected to disrupt ATP1A2 protein function. This variant is not present in population databases (gnomAD no frequency). This sequence change replaces threonine, which is neutral and polar, with arginine, which is basic and polar, at codon 690 of the ATP1A2 protein (p.Thr690Arg).

NM_000702.4(ATP1A2):c.2069C>G (p.Thr690Arg)

Gene: ATP1A2 (ATPase Na+/K+ transporting subunit alpha 2; plus strand). Cytogenetic location: 1q23.2.
Variant type: single nucleotide variant.
Coding change: c.2069C>G on transcript NM_000702.4 (MANE Select); coding-DNA position 2069, C replaced by G.
Protein change: p.Thr690Arg; replaces threonine 690 with arginine.
Molecular consequence: missense variant.
Genome position (GRCh38, 1-based): chr1:160,135,249, C>G. VCF-style: chr1-160135249-C-G. GRCh37 (hg19) VCF-style: chr1-160105039-C-G.
Other names: short protein forms T690R.
Identifiers: ClinVar variation 2846710 (VCV002846710.3), dbSNP rs960216681, ClinGen allele CA343248676.